The following is an entry in ClinVar:

ClinVar aggregate classification (germline): Uncertain significance (1 of 4 stars; one submission).

Conditions:
Von Hippel-Lindau syndrome (VHLS). Also called: von Hippel–Lindau syndrome; VHL syndrome; Von Hippel-Lindau. Identifiers: Orphanet 892, MedGen C0019562, MONDO:0008667, OMIM 193300. Disease mechanism: loss of function.
Chuvash polycythemia. Also called: POLYCYTHEMIA, VHL-DEPENDENT. Identifiers: Orphanet 238557, MedGen C1837915, MONDO:0009892, OMIM 263400.

Submission:

Labcorp Genetics (formerly Invitae), Labcorp
Classification: Uncertain significance for Von Hippel-Lindau syndrome; Chuvash polycythemia. Last evaluated: 2025-08-20. Review status: criteria provided, single submitter. Criteria: Invitae Variant Classification Sherloc (09022015). Collection method: clinical testing. Allele origin: germline.
Comment: This sequence change falls in intron 1 of the VHL gene. It is not expected to change the encoded amino acid sequence of the VHL protein. However, this sequence change falls within a cryptic exon in the VHL gene, known as exon E1’, which is naturally expressed at low levels in several human tissues (PMID: 29891534). This variant is not present in population databases (gnomAD no frequency). This variant has not been reported in the literature in individuals affected with VHL-related conditions. ClinVar contains an entry for this variant (Variation ID: 954526). Experimental studies and prediction algorithms are not available or were not evaluated, and the functional significance of this variant is currently unknown. Studies have shown that this variant is associated with inconclusive levels of altered splicing (internal data). In summary, the available evidence is currently insufficient to determine the role of this variant in disease. Therefore, it has been classified as a Variant of Uncertain Significance.

Literature cited by the submitters: PubMed 29891534.

NM_000551.4(VHL):c.340+806A>T

Genes: VHL (von Hippel-Lindau tumor suppressor; plus strand), LOC107303340 (3p25 von Hippel-Lindau tumor suppressor, E3 ubiquitin protein ligase Alu-mediated recombination region; plus strand). Cytogenetic location: 3p25.3.
Variant type: single nucleotide variant.
Coding change: c.340+806A>T on transcript NM_000551.4 (MANE Select); 806 bases into the intron after coding-DNA position 340, A replaced by T.
Molecular consequence: intron variant. On other transcripts: missense variant (1).
Genome position (GRCh38, 1-based): chr3:10,142,993, A>T. VCF-style: chr3-10142993-A-T. GRCh37 (hg19) VCF-style: chr3-10184677-A-T.
Other names: c.571A>T, p.Arg191Trp (NM_001354723.2); c.340+806A>T (NM_198156.3); short protein forms R191W.
Identifiers: ClinVar variation 954526 (VCV000954526.10), dbSNP rs1696164489, ClinGen allele CA1139655747.